The following is an entry in ClinVar:

NM_000093.5(COL5A1):c.*12C>T

Genes: COL5A1 (collagen type V alpha 1 chain; plus strand), LOC101448202 (uncharacterized LOC101448202; minus strand). Cytogenetic location: 9q34.3.
Variant type: single nucleotide variant.
Coding change: c.*12C>T on transcript NM_000093.5 (MANE Select); 12 bases downstream of the stop codon, C replaced by T.
Molecular consequence: 3 prime UTR variant.
Genome position (GRCh38, 1-based): chr9:134,842,315, C>T. VCF-style: chr9-134842315-C-T. GRCh37 (hg19) VCF-style: chr9-137734161-C-T.
Other names: c.*12C>T (NM_001278074.1).
Identifiers: ClinVar variation 3895806 (VCV003895806.2).

ClinVar aggregate classification (germline): Uncertain significance (1 of 4 stars; one submission).

gnomAD v4.1: 4 of 1,613,750 alleles (0.00025%); highest among the groups gnomAD compares: Admixed American, 0.0017%; no homozygotes.

Submission:

Women's Health and Genetics/Laboratory Corporation of America, LabCorp
Classification: Uncertain significance. Last evaluated: 2026-05-13. Review status: criteria provided, single submitter. Criteria: LabCorp Variant Classification Summary - May 2015. Collection method: clinical testing. Allele origin: germline.
Comment: Variant summary: COL5A1 c.*12C>T is located in the untranslated mRNA region downstream of the termination codon. The variant allele was found at a frequency of 4e-06 in 250248 control chromosomes. The available data on variant occurrences in the general population are insufficient to allow any conclusion about variant significance. To our knowledge, no occurrence of c.*12C>T in individuals affected with COL5A1-related conditions and no experimental evidence demonstrating its impact on protein function have been reported. ClinVar contains an entry for this variant (Variation ID: 3895806). Based on the evidence outlined above, the variant was classified as uncertain significance.